The following is an entry in ClinVar:

ClinVar aggregate classification (germline): Uncertain significance (1 of 4 stars; one submission).

gnomAD v4.1: 71 of 1,611,462 alleles (0.0044%); highest among the groups gnomAD compares: Non-Finnish European, 0.0058%; no homozygotes.

Submissions (2):

Labcorp Genetics (formerly Invitae), Labcorp
Classification: Uncertain significance. Last evaluated: 2024-11-25. Review status: criteria provided, single submitter. Criteria: Invitae Variant Classification Sherloc (09022015). Collection method: clinical testing. Allele origin: germline.
Comment: This sequence change affects an acceptor splice site in intron 4 of the TNS2 gene. It is expected to disrupt RNA splicing. Variants that disrupt the donor or acceptor splice site typically lead to a loss of protein function (PMID: 16199547), however the current clinical and genetic evidence is not sufficient to establish whether loss-of-function variants in TNS2 cause disease. This variant is present in population databases (rs202013586, gnomAD 0.01%). This variant has not been reported in the literature in individuals affected with TNS2-related conditions. Algorithms developed to predict the effect of sequence changes on RNA splicing suggest that this variant may disrupt the consensus splice site. In summary, the available evidence is currently insufficient to determine the role of this variant in disease. Therefore, it has been classified as a Variant of Uncertain Significance.

Dr. Peter K. Rogan Lab, Western University
No classification provided (evidence only). Condition: Melanoma. Review status: no classification provided. Collection method: in vitro. Allele origin: not applicable. Functional consequence: skipped exon, retained intron. Not counted in ClinVar's aggregate classification.

Literature cited by the submitters: PubMed 16199547 (cited by Labcorp Genetics (formerly Invitae), Labcorp).

NM_170754.4(TNS2):c.262-1G>T

Genes: TNS2 (tensin 2; plus strand), TNS2-AS1 (TNS2 antisense RNA 1; minus strand). Cytogenetic location: 12q13.13.
Variant type: single nucleotide variant.
Coding change: c.262-1G>T on transcript NM_170754.4 (MANE Select); the canonical splice acceptor site of the intron before coding-DNA position 262, G replaced by T.
Molecular consequence: splice acceptor variant.
Genome position (GRCh38, 1-based): chr12:53,053,773, G>T. VCF-style: chr12-53053773-G-T. GRCh37 (hg19) VCF-style: chr12-53447557-G-T.
Other names: c.-111-1G>T (NM_198316.2); c.262-1G>T (NM_001416202.1, NM_001416204.1); c.193-1G>T (NM_001416203.1, NM_015319.3).
Identifiers: ClinVar variation 3699029 (VCV003699029.3).